The following is an entry in ClinVar:

ClinVar aggregate classification (germline): Pathogenic (1 of 4 stars; one submission).

Conditions:
Hermansky-Pudlak syndrome 3 (HPS3). Identifiers: Orphanet 231512, Orphanet 79430, MedGen C3888001, MONDO:0013555, OMIM 614072.

Submission:

Myriad Genetics, Inc.
Classification: Pathogenic for Hermansky-Pudlak syndrome 3. Last evaluated: 2023-08-30. Review status: criteria provided, single submitter. Criteria: Myriad Autosomal Dominant, Autosomal Recessive and X-Linked Classification Criteria (2023). Collection method: clinical testing. Allele origin: unknown.
Comment: NM_032383.3(HPS3):c.70delC(R24Gfs*54) is expected to be pathogenic in the context of Hermansky-Pudlak syndrome, HPS3-related. This variant is predicted to lead to an abnormal or absent protein product due to the creation of a premature termination codon in HPS3, a gene where loss-of-function variants are known to be pathogenic. Please note: this variant was assessed in the context of healthy population screening.

NM_032383.5(HPS3):c.70del (p.Arg24fs)

Gene: HPS3 (HPS3 biogenesis of lysosomal organelles complex 2 subunit 1; plus strand). Cytogenetic location: 3q24.
Variant type: Deletion.
Coding change: c.70del on transcript NM_032383.5 (MANE Select); coding-DNA position 70, one base deleted (C; older notation c.70delC).
Protein change: p.Arg24fs; shifts the reading frame from arginine 24.
Molecular consequence: frameshift variant.
Genome position (GRCh38, 1-based): chr3:149,129,793, C deleted; the last of 2 consecutive C bases (chr3:149,129,792-149,129,793); deleting either gives the same sequence. VCF-style (leftmost placement, unchanged base first): chr3-149129791-AC-A. GRCh37 (hg19) VCF-style: chr3-148847578-AC-A.
Other names: c.70del, p.Arg24fs (NM_001308258.2); short protein forms R24fs.
Identifiers: ClinVar variation 5011495 (VCV005011495.1).